The following is an entry in ClinVar:

ClinVar aggregate classification (germline): Uncertain significance (1 of 4 stars; one submission).

Submission:

Labcorp Genetics (formerly Invitae), Labcorp
Classification: Uncertain significance. Last evaluated: 2025-11-10. Review status: criteria provided, single submitter. Criteria: Invitae Variant Classification Sherloc (09022015). Collection method: clinical testing. Allele origin: germline.
Comment: This sequence change replaces histidine, which is basic and polar, with arginine, which is basic and polar, at codon 219 of the DVL1 protein (p.His219Arg). This variant is not present in population databases (gnomAD no frequency). This variant has not been reported in the literature in individuals affected with DVL1-related conditions. ClinVar contains an entry for this variant (Variation ID: 3670843). Invitae Evidence Modeling of protein sequence and biophysical properties (such as structural, functional, and spatial information, amino acid conservation, physicochemical variation, residue mobility, and thermodynamic stability) indicates that this missense variant is not expected to disrupt DVL1 protein function with a negative predictive value of 80%. In summary, the available evidence is currently insufficient to determine the role of this variant in disease. Therefore, it has been classified as a Variant of Uncertain Significance.

NM_001330311.2(DVL1):c.656A>G (p.His219Arg)

Gene: DVL1 (dishevelled segment polarity protein 1; minus strand). Cytogenetic location: 1p36.33.
Variant type: single nucleotide variant.
Coding change: c.656A>G on transcript NM_001330311.2 (MANE Select); coding-DNA position 656, A replaced by G.
Protein change: p.His219Arg; replaces histidine 219 with arginine.
Molecular consequence: missense variant.
Genome position (GRCh38, 1-based): chr1:1,340,453, T>C on the plus strand (A>G on the coding strand, the complement: DVL1 is on the minus strand). VCF-style: chr1-1340453-T-C. GRCh37 (hg19) VCF-style: chr1-1275833-T-C.
Other names: c.656A>G, p.His219Arg (NM_004421.3); short protein forms H219R.
Identifiers: ClinVar variation 3670843 (VCV003670843.2).